The following is an entry in ClinVar:

NM_001830.4(CLCN4):c.1685T>C (p.Val562Ala)

Gene: CLCN4 (chloride voltage-gated channel 4; plus strand). Cytogenetic location: Xp22.2.
Variant type: single nucleotide variant.
Coding change: c.1685T>C on transcript NM_001830.4 (MANE Select); coding-DNA position 1685, T replaced by C.
Protein change: p.Val562Ala; replaces valine 562 with alanine.
Molecular consequence: missense variant.
Genome position (GRCh38, 1-based): chrX:10,213,789, T>C. VCF-style: chrX-10213789-T-C. GRCh37 (hg19) VCF-style: chrX-10181829-T-C.
Other names: c.1403T>C, p.Val468Ala (NM_001256944.2); short protein forms V468A, V562A.
Identifiers: ClinVar variation 1721785 (VCV001721785.5), dbSNP rs2518889454, ClinGen allele CA412041756.

ClinVar aggregate classification (germline): Uncertain significance (1 of 4 stars; one submission).

Submission:

Labcorp Genetics (formerly Invitae), Labcorp
Classification: Uncertain significance. Last evaluated: 2022-10-17. Review status: criteria provided, single submitter. Criteria: Invitae Variant Classification Sherloc (09022015). Collection method: clinical testing. Allele origin: germline.
Comment: This sequence change replaces valine, which is neutral and non-polar, with alanine, which is neutral and non-polar, at codon 562 of the CLCN4 protein (p.Val562Ala). This variant is not present in population databases (gnomAD no frequency). This variant has not been reported in the literature in individuals affected with CLCN4-related conditions. Advanced modeling of protein sequence and biophysical properties (such as structural, functional, and spatial information, amino acid conservation, physicochemical variation, residue mobility, and thermodynamic stability) has been performed at Invitae for this missense variant, however the output from this modeling did not meet the statistical confidence thresholds required to predict the impact of this variant on CLCN4 protein function. In summary, the available evidence is currently insufficient to determine the role of this variant in disease. Therefore, it has been classified as a Variant of Uncertain Significance.